The following is an entry in ClinVar:

ClinVar aggregate classification (germline): Likely benign. Review status: criteria provided, multiple submitters, no conflicts (2 of 4 stars). 2 submissions from 2 submitters: Likely benign (2). Last evaluated 2022-11-30.

Conditions:
Catecholaminergic polymorphic ventricular tachycardia (CVPT). Also called: Catecholamine-induced polymorphic ventricular tachycardia. Identifiers: Orphanet 3286, MedGen C5574922, MONDO:0017990.
Cardiomyopathy (CMYO). Also called: Cardiomyopathies. Identifiers: Orphanet 167848, MedGen C0878544, MONDO:0004994, HP:0001638. Inheritance: Various modes of inheritance.

Allele frequency attached by ClinVar (database versions not stated): gnomAD exomes below 0.00001; TOPMed below 0.00001; gnomAD 0.00001.
gnomAD v4.1: 6 of 1,613,692 alleles (0.00037%); highest among the groups gnomAD compares: Non-Finnish European, 0.00042%; no homozygotes.

Submissions (2):

All of Us Research Program, National Institutes of Health
Classification: Likely benign for Catecholaminergic polymorphic ventricular tachycardia. Last evaluated: 2022-11-30. Review status: criteria provided, single submitter. Criteria: ACMG Guidelines, 2015. Collection method: clinical testing. Allele origin: germline. Inheritance: Autosomal dominant inheritance. Observed: 1 variant allele, 1 heterozygote.
Comment: This study involves interpretation of variants in research participants for the purpose of population health screening. Participant phenotype was not available at the time of variant classification. Additional details can be found in publication PMID: 35346344, PMCID: PMC8962531

Color Diagnostics, LLC DBA Color Health
Classification: Likely benign for Cardiomyopathy. Last evaluated: 2021-11-19. Review status: criteria provided, single submitter. Criteria: ACMG Guidelines, 2015. Collection method: clinical testing. Allele origin: germline.

NM_001035.3(RYR2):c.4332C>A (p.Gly1444=)

Gene: RYR2 (ryanodine receptor 2; plus strand). Cytogenetic location: 1q43.
Variant type: single nucleotide variant.
Coding change: c.4332C>A on transcript NM_001035.3 (MANE Select); coding-DNA position 4332, C replaced by A.
Protein change: p.Gly1444=; no amino-acid change (glycine 1444 retained).
Molecular consequence: synonymous variant.
Genome position (GRCh38, 1-based): chr1:237,593,532, C>A. VCF-style: chr1-237593532-C-A. GRCh37 (hg19) VCF-style: chr1-237756832-C-A.
Identifiers: ClinVar variation 2774292 (VCV002774292.3), dbSNP rs1675469931, ClinGen allele CA423820156.